The following is an entry in ClinVar:

NM_000553.6(WRN):c.1713G>A (p.Met571Ile)

Gene: WRN (WRN RecQ like helicase; plus strand). Cytogenetic location: 8p12.
Variant type: single nucleotide variant.
Coding change: c.1713G>A on transcript NM_000553.6 (MANE Select); coding-DNA position 1713, G replaced by A.
Protein change: p.Met571Ile; replaces methionine 571 with isoleucine.
Molecular consequence: missense variant.
Genome position (GRCh38, 1-based): chr8:31,090,525, G>A. VCF-style: chr8-31090525-G-A. GRCh37 (hg19) VCF-style: chr8-30948041-G-A.
Other names: short protein forms M571I.
Identifiers: ClinVar variation 1450547 (VCV001450547.8), dbSNP rs2130171575, ClinGen allele CA370927137.

ClinVar aggregate classification (germline): Uncertain significance (1 of 4 stars; one submission).

Conditions:
Werner syndrome (WRN). Identifiers: Orphanet 902, MedGen C0043119, MONDO:0010196, OMIM 277700.

Submission:

Labcorp Genetics (formerly Invitae), Labcorp
Classification: Uncertain significance for Werner syndrome. Last evaluated: 2021-07-25. Review status: criteria provided, single submitter. Criteria: Invitae Variant Classification Sherloc (09022015). Collection method: clinical testing. Allele origin: germline.
Comment: This sequence change replaces methionine with isoleucine at codon 571 of the WRN protein (p.Met571Ile). The methionine residue is highly conserved and there is a small physicochemical difference between methionine and isoleucine. This variant is not present in population databases (ExAC no frequency). This variant has not been reported in the literature in individuals affected with WRN-related conditions. Algorithms developed to predict the effect of missense changes on protein structure and function are either unavailable or do not agree on the potential impact of this missense change (SIFT: "Not Available"; PolyPhen-2: "Probably Damaging"; Align-GVGD: "Not Available"). Algorithms developed to predict the effect of sequence changes on RNA splicing suggest that this variant may create or strengthen a splice site. In summary, the available evidence is currently insufficient to determine the role of this variant in disease. Therefore, it has been classified as a Variant of Uncertain Significance.